The following is an entry in ClinVar:

NM_205861.3(DHDDS):c.792G>C (p.Glu264Asp)

Gene: DHDDS (dehydrodolichyl diphosphate synthase subunit; plus strand). Cytogenetic location: 1p36.11.
Variant type: single nucleotide variant.
Coding change: c.792G>C on transcript NM_205861.3 (MANE Select); coding-DNA position 792, G replaced by C.
Protein change: p.Glu264Asp; replaces glutamic acid 264 with aspartic acid.
Molecular consequence: missense variant.
Genome position (GRCh38, 1-based): chr1:26,468,921, G>C. VCF-style: chr1-26468921-G-C. GRCh37 (hg19) VCF-style: chr1-26795412-G-C.
Other names: c.690G>C, p.Glu230Asp (NM_001243564.2); c.675G>C, p.Glu225Asp (NM_001243565.2); c.513G>C, p.Glu171Asp (NM_001319959.2); c.795G>C, p.Glu265Asp (NM_024887.4); short protein forms E171D, E230D, E265D, E225D, E264D.
Identifiers: ClinVar variation 2194908 (VCV002194908.4), dbSNP rs2524814185, ClinGen allele CA339145558.

ClinVar aggregate classification (germline): Uncertain significance (1 of 4 stars; one submission).

Conditions:
Retinitis pigmentosa 59 (RP59). Identifiers: Orphanet 791, MedGen C3151227, MONDO:0013468, OMIM 613861.

Submission:

Labcorp Genetics (formerly Invitae), Labcorp
Classification: Uncertain significance for Retinitis pigmentosa 59. Last evaluated: 2022-06-09. Review status: criteria provided, single submitter. Criteria: Invitae Variant Classification Sherloc (09022015). Collection method: clinical testing. Allele origin: germline.
Comment: In summary, the available evidence is currently insufficient to determine the role of this variant in disease. Therefore, it has been classified as a Variant of Uncertain Significance. Algorithms developed to predict the effect of missense changes on protein structure and function output the following: SIFT: "Tolerated"; PolyPhen-2: "Benign"; Align-GVGD: "Class C0". The aspartic acid amino acid residue is found in multiple mammalian species, which suggests that this missense change does not adversely affect protein function. This variant has not been reported in the literature in individuals affected with DHDDS-related conditions. This variant is not present in population databases (gnomAD no frequency). This sequence change replaces glutamic acid, which is acidic and polar, with aspartic acid, which is acidic and polar, at codon 265 of the DHDDS protein (p.Glu265Asp).